The following is an entry in ClinVar:

ClinVar aggregate classification (germline): Uncertain significance. Review status: criteria provided, multiple submitters, no conflicts (2 of 4 stars). 2 submissions from 2 submitters: Uncertain significance (2). Last evaluated 2023-10-01.

Conditions:
Hereditary cancer-predisposing syndrome. Also called: Hereditary Cancer Syndrome; Hereditary neoplastic syndrome; Neoplastic Syndromes, Hereditary; Tumor predisposition. Identifiers: Orphanet 140162, MedGen C0027672, MeSH D009386, MONDO:0015356.
Tuberous sclerosis 1 (TSC1). Identifiers: Orphanet 805, MedGen C1854465, MONDO:0008612, OMIM 191100.

Submissions (2):

Ambry Genetics
Classification: Uncertain significance for Hereditary cancer-predisposing syndrome. Last evaluated: 2023-10-01. Review status: criteria provided, single submitter. Criteria: Ambry Variant Classification Scheme 2023. Collection method: clinical testing. Allele origin: germline.
Comment: The p.E990D variant (also known as c.2970A>C), located in coding exon 20 of the TSC1 gene, results from an A to C substitution at nucleotide position 2970. The glutamic acid at codon 990 is replaced by aspartic acid, an amino acid with highly similar properties. This amino acid position is conserved. In addition, this alteration is predicted to be tolerated by in silico analysis. Since supporting evidence is limited at this time, the clinical significance of this alteration remains unclear.

Labcorp Genetics (formerly Invitae), Labcorp
Classification: Uncertain significance for Tuberous sclerosis 1. Last evaluated: 2023-03-16. Review status: criteria provided, single submitter. Criteria: Invitae Variant Classification Sherloc (09022015). Collection method: clinical testing. Allele origin: germline.
Comment: This variant is not present in population databases (gnomAD no frequency). In summary, the available evidence is currently insufficient to determine the role of this variant in disease. Therefore, it has been classified as a Variant of Uncertain Significance. Advanced modeling of protein sequence and biophysical properties (such as structural, functional, and spatial information, amino acid conservation, physicochemical variation, residue mobility, and thermodynamic stability) performed at Invitae indicates that this missense variant is not expected to disrupt TSC1 protein function. This variant has not been reported in the literature in individuals affected with TSC1-related conditions. This sequence change replaces glutamic acid, which is acidic and polar, with aspartic acid, which is acidic and polar, at codon 990 of the TSC1 protein (p.Glu990Asp).

NM_000368.5(TSC1):c.2970A>C (p.Glu990Asp)

Gene: TSC1 (TSC complex subunit 1; minus strand). Cytogenetic location: 9q34.13.
Variant type: single nucleotide variant.
Coding change: c.2970A>C on transcript NM_000368.5 (MANE Select); coding-DNA position 2970, A replaced by C.
Protein change: p.Glu990Asp; replaces glutamic acid 990 with aspartic acid.
Molecular consequence: missense variant. On other transcripts: non-coding transcript variant (5).
Genome position (GRCh38, 1-based): chr9:132,897,189, T>G on the plus strand (A>C on the coding strand, the complement: TSC1 is on the minus strand). VCF-style: chr9-132897189-T-G. GRCh37 (hg19) VCF-style: chr9-135772576-T-G.
Other names: c.2967A>C, p.Glu989Asp (NM_001162426.2, NM_001406597.1, NM_001406598.1 and 2 more transcripts); c.2817A>C, p.Glu939Asp (NM_001162427.2, NM_001406610.1); c.2607A>C, p.Glu869Asp (NM_001362177.2, NM_001406614.1, NM_001406615.1 and 4 more transcripts); c.2970A>C, p.Glu990Asp (NM_001406592.1, NM_001406593.1, NM_001406594.1 and 2 more transcripts); c.2955A>C, p.Glu985Asp (NM_001406601.1, NM_001406602.1); c.2772A>C, p.Glu924Asp (NM_001406613.1); c.2604A>C, p.Glu868Asp (NM_001406620.1, NM_001406621.1, NM_001406622.1 and 1 more transcripts); c.2565A>C, p.Glu855Asp (NM_001406624.1); and 8 more; short protein forms E672D, E854D, E639D, E673D, E855D, E868D, E939D, E985D.
Identifiers: ClinVar variation 2846132 (VCV002846132.4), dbSNP rs2538473616, ClinGen allele CA375368221.